The following is an entry in ClinVar:

ClinVar aggregate classification (germline): Uncertain significance. Review status: criteria provided, multiple submitters, no conflicts (2 of 4 stars). 2 submissions from 2 submitters: Uncertain significance (2). Last evaluated 2026-09-01.

Conditions:
Inborn genetic diseases. Identifiers: MedGen C0950123, MeSH D030342.

Allele frequency attached by ClinVar (database versions not stated): TOPMed 0.00001; gnomAD 0.00002; 1000 Genomes Project 30x 0.00016; 1000 Genomes Project 0.00020.
gnomAD v4.1: 18 of 1,600,540 alleles (0.0011%); highest among the groups gnomAD compares: East Asian, 0.009%; no homozygotes.

Submissions (2):

CeGaT Center for Human Genetics Tuebingen
Classification: Uncertain significance. Last evaluated: 2026-09-01. Review status: criteria provided, single submitter. Criteria: CeGaT Center For Human Genetics Tuebingen Variant Classification Criteria Version 2. Collection method: clinical testing. Allele origin: germline. Affected: yes. Observed: 2 variant alleles.
Comment: DNAH9: PM2, PM3, PP3

Ambry Genetics
Classification: Uncertain significance for Inborn genetic diseases. Last evaluated: 2023-05-03. Review status: criteria provided, single submitter. Criteria: Ambry Variant Classification Scheme 2023. Collection method: clinical testing. Allele origin: germline.

NM_001372.4(DNAH9):c.6631C>T (p.Arg2211Trp)

Gene: DNAH9 (dynein axonemal heavy chain 9; plus strand). Cytogenetic location: 17p12.
Variant type: single nucleotide variant.
Coding change: c.6631C>T on transcript NM_001372.4 (MANE Select); coding-DNA position 6631, C replaced by T.
Protein change: p.Arg2211Trp; replaces arginine 2211 with tryptophan.
Molecular consequence: missense variant.
Genome position (GRCh38, 1-based): chr17:11,752,853, C>T. VCF-style: chr17-11752853-C-T. GRCh37 (hg19) VCF-style: chr17-11656170-C-T.
Other names: short protein forms R2211W.
Identifiers: ClinVar variation 2542504 (VCV002542504.3), dbSNP rs140395355, ClinGen allele CA8396369.